The following is an entry in ClinVar:

NM_001377229.1(DISP1):c.3179A>T (p.Tyr1060Phe)

Gene: DISP1 (dispatched RND transporter family member 1; plus strand). Cytogenetic location: 1q41.
Variant type: single nucleotide variant.
Coding change: c.3179A>T on transcript NM_001377229.1 (MANE Select); coding-DNA position 3179, A replaced by T.
Protein change: p.Tyr1060Phe; replaces tyrosine 1060 with phenylalanine.
Molecular consequence: missense variant.
Genome position (GRCh38, 1-based): chr1:223,004,576, A>T. VCF-style: chr1-223004576-A-T. GRCh37 (hg19) VCF-style: chr1-223177918-A-T.
Other names: c.2450A>T, p.Tyr817Phe (NM_001350630.2); c.3179A>T, p.Tyr1060Phe (NM_001369594.1, NM_001377228.1, NM_032890.5); short protein forms Y817F, Y1060F.
Identifiers: ClinVar variation 2753499 (VCV002753499.3), dbSNP rs2528316507, ClinGen allele CA344685588.
Genomic context (GRCh38, chr1:223,004,576, plus strand): 5'-TCACCATTTCGGTTGCCGTCGGCTTGTCTGTAGACTTTGCCGTCCATTATGGGGTTGCCT[A>T]CCGCTTGGCTCCAGATCCCGACCGAGAAGGCAAAGTGATCTTCTCTCTGAGTCGCGTGGG-3'
Protein context (NP_001364158.1, residues 1050-1070): VDFAVHYGVA[Tyr1060Phe]RLAPDPDREG

ClinVar aggregate classification (germline): Uncertain significance (1 of 4 stars; one submission).

Submission:

Labcorp Genetics (formerly Invitae), Labcorp
Classification: Uncertain significance. Last evaluated: 2023-08-23. Review status: criteria provided, single submitter. Criteria: Invitae Variant Classification Sherloc (09022015). Collection method: clinical testing. Allele origin: germline.
Comment: In summary, the available evidence is currently insufficient to determine the role of this variant in disease. Therefore, it has been classified as a Variant of Uncertain Significance. An algorithm developed to predict the effect of missense changes on protein structure and function (PolyPhen-2) suggests that this variant is likely to be disruptive. This variant has not been reported in the literature in individuals affected with DISP1-related conditions. This variant is not present in population databases (gnomAD no frequency). This sequence change replaces tyrosine, which is neutral and polar, with phenylalanine, which is neutral and non-polar, at codon 1060 of the DISP1 protein (p.Tyr1060Phe).